The following is an entry in ClinVar:

NM_001365999.1(SZT2):c.1539CTC[1] (p.Ser515del)

Gene: SZT2 (SZT2 subunit of KICSTOR complex; plus strand). Cytogenetic location: 1p34.2.
Variant type: Microsatellite.
Coding change: c.1539CTC[1] on transcript NM_001365999.1 (MANE Select); one copy of the 3-base unit CTC starting at c.1539; the reference has two copies in a row; one copy, 3 bases deleted.
Protein change: p.Ser515del; deletes serine 515.
Molecular consequence: inframe deletion.
Genome position (GRCh38, 1-based): chr1:43,421,219-43,421,221, CTC deleted; deleting any 3 consecutive bases within chr1:43,421,216-43,421,221 gives the same sequence; the position shown is the placement nearest the transcript's 3' end. VCF-style (leftmost placement, unchanged base first): chr1-43421215-TCTC-T. GRCh37 (hg19) VCF-style: chr1-43886886-TCTC-T.
Other names: c.1539CTC[1], p.Ser515del (NM_015284.4); short protein forms S515del.
Identifiers: ClinVar variation 1921005 (VCV001921005.2), dbSNP rs747095112, ClinGen allele CA808449.

ClinVar aggregate classification (germline): Uncertain significance (1 of 4 stars; one submission).

Submission:

Labcorp Genetics (formerly Invitae), Labcorp
Classification: Uncertain significance. Last evaluated: 2022-08-10. Review status: criteria provided, single submitter. Criteria: Invitae Variant Classification Sherloc (09022015). Collection method: clinical testing. Allele origin: germline.
Comment: This variant, c.1542_1544del, results in the deletion of 1 amino acid(s) of the SZT2 protein (p.Ser515del), but otherwise preserves the integrity of the reading frame. This variant is present in population databases (rs747095112, gnomAD 0.002%). This variant has not been reported in the literature in individuals affected with SZT2-related conditions. Experimental studies and prediction algorithms are not available or were not evaluated, and the functional significance of this variant is currently unknown. In summary, the available evidence is currently insufficient to determine the role of this variant in disease. Therefore, it has been classified as a Variant of Uncertain Significance.